The following is an entry in ClinVar:

ClinVar aggregate classification (germline): Uncertain significance (1 of 4 stars; one submission).

Allele frequency attached by ClinVar (database versions not stated): gnomAD exomes below 0.00001.
gnomAD v4.1: 1 of 1,610,700 alleles (0.000062%); highest among the groups gnomAD compares: Admixed American, 0.0017%; no homozygotes.

Submission:

Labcorp Genetics (formerly Invitae), Labcorp
Classification: Uncertain significance. Last evaluated: 2022-06-10. Review status: criteria provided, single submitter. Criteria: Invitae Variant Classification Sherloc (09022015). Collection method: clinical testing. Allele origin: germline.
Comment: In summary, the available evidence is currently insufficient to determine the role of this variant in disease. Therefore, it has been classified as a Variant of Uncertain Significance. Algorithms developed to predict the effect of missense changes on protein structure and function (SIFT, PolyPhen-2, Align-GVGD) all suggest that this variant is likely to be tolerated. This variant has not been reported in the literature in individuals affected with TSFM-related conditions. This variant is not present in population databases (gnomAD no frequency). This sequence change replaces arginine, which is basic and polar, with serine, which is neutral and polar, at codon 25 of the TSFM protein (p.Arg25Ser).

NM_005726.6(TSFM):c.73C>A (p.Arg25Ser)

Gene: TSFM (Ts translation elongation factor, mitochondrial; plus strand). Cytogenetic location: 12q14.1.
Variant type: single nucleotide variant.
Coding change: c.73C>A on transcript NM_005726.6 (MANE Select); coding-DNA position 73, C replaced by A.
Protein change: p.Arg25Ser; replaces arginine 25 with serine.
Molecular consequence: missense variant.
Genome position (GRCh38, 1-based): chr12:57,783,125, C>A. VCF-style: chr12-57783125-C-A. GRCh37 (hg19) VCF-style: chr12-58176908-C-A.
Other names: c.73C>A, p.Arg25Ser (NM_001172695.2, NM_001172696.2, NM_001172697.2); short protein forms R25S.
Identifiers: ClinVar variation 1926321 (VCV001926321.3), dbSNP rs2540942742, ClinGen allele CA385523228.
Genomic context (GRCh38, chr12:57,783,125, plus strand): 5'-GAGTTTGCTGCTTCCTGCTCCTCATCCCTTTCTTATCTCATCTAGGCTGGGTCTCTTCTG[C>A]GTCAGTCGCCCCAGCCAAGGCACACATTTTATGCTGGGCCCCGTCTGTCTGCCTCGGCCT-3'
Protein context (NP_005717.3, residues 15-35): TGSYPAGSLL[Arg25Ser]QSPQPRHTFY